The following is an entry in ClinVar:

ClinVar aggregate classification (germline): Uncertain significance (1 of 4 stars; one submission).

gnomAD v4.1: 4 of 1,613,732 alleles (0.00025%); highest among the groups gnomAD compares: Non-Finnish European, 0.00017%; no homozygotes.

Submission:

Ambry Genetics
Classification: Uncertain significance. Last evaluated: 2024-09-21. Review status: criteria provided, single submitter. Criteria: Ambry Variant Classification Scheme 2023. Collection method: clinical testing. Allele origin: germline.
Comment: The p.R520H variant (also known as c.1559G>A), located in coding exon 16 of the KIF1B gene, results from a G to A substitution at nucleotide position 1559. The arginine at codon 520 is replaced by histidine, an amino acid with highly similar properties. This amino acid position is highly conserved in available vertebrate species. In addition, the in silico prediction for this alteration is inconclusive. The evidence for this gene-disease relationship is limited; therefore, the clinical significance of this alteration is unclear.

NM_001365951.3(KIF1B):c.1697G>A (p.Arg566His)

Gene: KIF1B (kinesin family member 1B; plus strand). Cytogenetic location: 1p36.22.
Variant type: single nucleotide variant.
Coding change: c.1697G>A on transcript NM_001365951.3 (MANE Select); coding-DNA position 1697, G replaced by A.
Protein change: p.Arg566His; replaces arginine 566 with histidine.
Molecular consequence: missense variant.
Genome position (GRCh38, 1-based): chr1:10,295,686, G>A. VCF-style: chr1-10295686-G-A. GRCh37 (hg19) VCF-style: chr1-10355744-G-A.
Other names: c.1697G>A, p.Arg566His (NM_001365952.1); c.1559G>A, p.Arg520His (NM_001365953.1, NM_015074.3, NM_183416.4); short protein forms R566H, R520H.
Identifiers: ClinVar variation 3533860 (VCV003533860.1).